The following is an entry in ClinVar:

ClinVar aggregate classification (germline): Uncertain significance (1 of 4 stars; one submission).

gnomAD v4.1: 3 of 1,612,596 alleles (0.00019%); highest among the groups gnomAD compares: Non-Finnish European, 0.00017%; no homozygotes.

Submission:

Labcorp Genetics (formerly Invitae), Labcorp
Classification: Uncertain significance. Last evaluated: 2023-03-14. Review status: criteria provided, single submitter. Criteria: Invitae Variant Classification Sherloc (09022015). Collection method: clinical testing. Allele origin: germline.
Comment: In summary, the available evidence is currently insufficient to determine the role of this variant in disease. Therefore, it has been classified as a Variant of Uncertain Significance. Advanced modeling of protein sequence and biophysical properties (such as structural, functional, and spatial information, amino acid conservation, physicochemical variation, residue mobility, and thermodynamic stability) performed at Invitae indicates that this missense variant is not expected to disrupt COL11A2 protein function. ClinVar contains an entry for this variant (Variation ID: 1434228). This variant has not been reported in the literature in individuals affected with COL11A2-related conditions. This variant is not present in population databases (gnomAD no frequency). This sequence change replaces arginine, which is basic and polar, with leucine, which is neutral and non-polar, at codon 806 of the COL11A2 protein (p.Arg806Leu).

NM_080680.3(COL11A2):c.2417G>T (p.Arg806Leu)

Gene: COL11A2 (collagen type XI alpha 2 chain; minus strand). Cytogenetic location: 6p21.32.
Variant type: single nucleotide variant.
Coding change: c.2417G>T on transcript NM_080680.3 (MANE Select); coding-DNA position 2417, G replaced by T.
Protein change: p.Arg806Leu; replaces arginine 806 with leucine.
Molecular consequence: missense variant.
Genome position (GRCh38, 1-based): chr6:33,174,540, C>A on the plus strand (G>T on the coding strand, the complement: COL11A2 is on the minus strand). VCF-style: chr6-33174540-C-A. GRCh37 (hg19) VCF-style: chr6-33142317-C-A.
Other names: c.2096G>T, p.Arg699Leu (NM_080679.3); c.2159G>T, p.Arg720Leu (NM_080681.3); short protein forms R699L, R720L, R806L.
Identifiers: ClinVar variation 1434228 (VCV001434228.6), dbSNP rs200552277, ClinGen allele CA363644174.